The following is an entry in ClinVar:

ClinVar aggregate classification (germline): Uncertain significance (1 of 4 stars; one submission).

Allele frequency attached by ClinVar (database versions not stated): gnomAD exomes 0.00001.
gnomAD v4.1: 7 of 1,613,356 alleles (0.00043%); highest among the groups gnomAD compares: Non-Finnish European, 0.00059%; no homozygotes.

Submission:

CeGaT Center for Human Genetics Tuebingen
Classification: Uncertain significance. Last evaluated: 2024-02-01. Review status: criteria provided, single submitter. Criteria: CeGaT Center For Human Genetics Tuebingen Variant Classification Criteria Version 2. Collection method: clinical testing. Allele origin: germline. Affected: yes. Observed: 1 variant allele.
Comment: TOR1AIP1: PM2, BP4

NM_015602.4(TOR1AIP1):c.1670T>A (p.Leu557Gln)

Gene: TOR1AIP1 (torsin 1A interacting protein 1; plus strand). Cytogenetic location: 1q25.2.
Variant type: single nucleotide variant.
Coding change: c.1670T>A on transcript NM_015602.4 (MANE Select); coding-DNA position 1670, T replaced by A.
Protein change: p.Leu557Gln; replaces leucine 557 with glutamine.
Molecular consequence: missense variant.
Genome position (GRCh38, 1-based): chr1:179,918,157, T>A. VCF-style: chr1-179918157-T-A. GRCh37 (hg19) VCF-style: chr1-179887292-T-A.
Other names: c.1673T>A, p.Leu558Gln (NM_001267578.2); short protein forms L557Q, L558Q.
Identifiers: ClinVar variation 3027418 (VCV003027418.22), dbSNP rs2526652786, ClinGen allele CA343576743.